The following is an entry in ClinVar:

ClinVar aggregate classification (germline): Likely pathogenic (1 of 4 stars; one submission).

Conditions:
Athabaskan severe combined immunodeficiency (SCIDA). Also called: Severe combined immunodeficiency, athabascan-type. Identifiers: MedGen C1865370.

Submission:

Natera, Inc.
Classification: Likely pathogenic for Athabascan severe combined immunodeficiency. Last evaluated: 2024-03-19. Review status: criteria provided, single submitter. Criteria: Natera Variant Classification Schema (03/2026). Collection method: clinical testing. Allele origin: germline.
Comment: The c.1558A>T variant in DCLRE1C is a nonsense variant predicted to introduce a stop codon at amino acid 520. This variant is expected to result in nonsense mediated decay, truncation, or a dysfunctional protein product. This variant is rare in the general population with a frequency below the threshold expected for the associated phenotype(s). Given the available evidence, this variant is classified as Likely Pathogenic.

NM_001033855.3(DCLRE1C):c.1558A>T (p.Lys520Ter)

Gene: DCLRE1C (DNA cross-link repair 1C; minus strand). Cytogenetic location: 10p13.
Variant type: single nucleotide variant.
Coding change: c.1558A>T on transcript NM_001033855.3 (MANE Select); coding-DNA position 1558, A replaced by T.
Protein change: p.Lys520Ter; replaces lysine 520 with a stop codon.
Molecular consequence: nonsense. On other transcripts: non-coding transcript variant (4).
Genome position (GRCh38, 1-based): chr10:14,908,929, T>A on the plus strand (A>T on the coding strand, the complement: DCLRE1C is on the minus strand). VCF-style: chr10-14908929-T-A. GRCh37 (hg19) VCF-style: chr10-14950928-T-A.
Other names: c.1198A>T, p.Lys400Ter (NM_001033857.3, NM_001033858.3, NM_001289077.2 and 2 more transcripts); c.1213A>T, p.Lys405Ter (NM_001289076.2, NM_001289078.2, NM_001350966.2 and 1 more transcripts); c.1558A>T, p.Lys520Ter (NM_001350965.2); short protein forms K400*, K405*, K520*.
Identifiers: ClinVar variation 4814545 (VCV004814545.1).
Genomic context (GRCh38, chr10:14,908,929, plus strand): 5'-ACTGGGAAGAATTCTGGGAGGAGATGTGAGTTGATTCTCCATCAGAGTCACTGAAAAGCT[T>A]TGGTGACTGAGATCCCCCTGCCACTGTGGAGGAAGGGAAGTTTTCCAAACTCTCATCTGT-3'